The following is an entry in ClinVar:

ClinVar aggregate classification (germline): Likely pathogenic (1 of 4 stars; one submission).

Conditions:
Bardet-Biedl syndrome 9 (BBS9). Identifiers: Orphanet 110, MedGen C1859567, MONDO:0014437, OMIM 615986.

gnomAD v4.1: 1 of 1,611,978 alleles (0.000062%); highest among the groups gnomAD compares: Non-Finnish European, 0.000085%; no homozygotes.

Submission:

Neuberg Centre For Genomic Medicine, NCGM
Classification: Likely pathogenic for Bardet-Biedl syndrome 9. Last evaluated: 2024-02-01. Review status: criteria provided, single submitter. Criteria: ACMG Guidelines, 2015. Collection method: clinical testing. Allele origin: germline. Inheritance: Autosomal recessive inheritance. Affected: yes.
Comment: The invariant splice acceptor c.1199-1G>A variant in BBS9 gene has not been reported previously as a pathogenic variant nor as a benign variant, to our knowledge. The c.1199-1G>A variant is absent in gnomAD Exomes. This variant has not been submitted to the ClinVar database. SpliceAI predicts this variant to cause splice acceptor Loss (0.83). Loss of function variants in BBS9 have been previously reported to be disease causing (Suárez-González et al., 2021). Additional functional studies on multiple affected individuals will be required to prove the pathogenicity of this variant conclusively. For these reasons, this variant has been classified as Likely Pathogenic.

NM_198428.3(BBS9):c.1199-1G>A

Gene: BBS9 (Bardet-Biedl syndrome 9; plus strand). Cytogenetic location: 7p14.3.
Variant type: single nucleotide variant.
Coding change: c.1199-1G>A on transcript NM_198428.3 (MANE Select); the canonical splice acceptor site of the intron before coding-DNA position 1199, G replaced by A.
Molecular consequence: splice acceptor variant.
Genome position (GRCh38, 1-based): chr7:33,340,896, G>A. VCF-style: chr7-33340896-G-A. GRCh37 (hg19) VCF-style: chr7-33380508-G-A.
Other names: c.1199-1G>A (NM_001348036.1, NM_001362679.1, NM_001348041.4 and 5 more transcripts); c.926-1G>A (NM_001348038.3, NM_001348039.3); c.833-1G>A (NM_001348037.3, NM_001348045.3, NM_001348046.3 and 1 more transcripts); c.1064-1G>A (NM_001348042.3).
Identifiers: ClinVar variation 3895527 (VCV003895527.1).
Genomic context (GRCh38, chr7:33,340,896, plus strand): 5'-AAAACTATATATAGAAAGTTTTACTTTATGATTAAATAATTTTTCTTTTTTTAAATCACA[G>A]GTGTTTGGCCCATGACTGAGAGAGAAGATGACTTGAACGTTTCTGTCGTGGTTTCTCCTA-3'